The following is an entry in ClinVar:

NM_022041.4(GAN):c.637C>A (p.His213Asn)

Gene: GAN (gigaxonin; plus strand). Cytogenetic location: 16q23.2.
Variant type: single nucleotide variant.
Coding change: c.637C>A on transcript NM_022041.4 (MANE Select); coding-DNA position 637, C replaced by A.
Protein change: p.His213Asn; replaces histidine 213 with asparagine.
Molecular consequence: missense variant. On other transcripts: 5 prime UTR variant (1).
Genome position (GRCh38, 1-based): chr16:81,356,788, C>A. VCF-style: chr16-81356788-C-A. GRCh37 (hg19) VCF-style: chr16-81390393-C-A.
Other names: c.-3C>A (NM_001377486.1); short protein forms H213N.
Identifiers: ClinVar variation 1021361 (VCV001021361.8), dbSNP rs755664230, ClinGen allele CA8191436.

ClinVar aggregate classification (germline): Uncertain significance (1 of 4 stars; one submission).

Conditions:
Giant axonal neuropathy 1 (GAN1). Also called: GIANT AXONAL NEUROPATHY 1, AUTOSOMAL RECESSIVE; GAN-Related Neurodegeneration. Identifiers: Orphanet 643, MedGen C1850386, MONDO:0009749, OMIM 256850.

Allele frequency attached by ClinVar (database versions not stated): gnomAD exomes below 0.00001 and 0.00001; ExAC 0.00002.
gnomAD v4.1: 5 of 1,606,230 alleles (0.00031%); highest among the groups gnomAD compares: Non-Finnish European, 0.00034%; no homozygotes.

Submission:

Labcorp Genetics (formerly Invitae), Labcorp
Classification: Uncertain significance for Giant axonal neuropathy 1. Last evaluated: 2020-04-28. Review status: criteria provided, single submitter. Criteria: Invitae Variant Classification Sherloc (09022015). Collection method: clinical testing. Allele origin: germline.
Comment: Algorithms developed to predict the effect of missense changes on protein structure and function are either unavailable or do not agree on the potential impact of this missense change (SIFT: "Deleterious"; PolyPhen-2: "Benign"; Align-GVGD: "Class C65"). This variant has not been reported in the literature in individuals with GAN-related conditions. This variant is present in population databases (rs755664230, ExAC 0.004%). This sequence change replaces histidine with asparagine at codon 213 of the GAN protein (p.His213Asn). The histidine residue is highly conserved and there is a small physicochemical difference between histidine and asparagine. In summary, the available evidence is currently insufficient to determine the role of this variant in disease. Therefore, it has been classified as a Variant of Uncertain Significance.